The following is an entry in ClinVar:

ClinVar aggregate classification (germline): Likely benign. Review status: criteria provided, multiple submitters, no conflicts (2 of 4 stars). 2 submissions from 2 submitters: Likely benign (2). Last evaluated 2026-06-21.

Conditions:
INPP5E-related disorder. Also called: INPP5E-related condition.
Joubert syndrome. Also called: Familial aplasia of the vermis; JOUBERT-BOLTSHAUSER SYNDROME. Identifiers: Orphanet 475, MedGen C5979921, MONDO:0018772.

Allele frequency attached by ClinVar (database versions not stated): gnomAD exomes below 0.00001; gnomAD 0.00001; TOPMed 0.00001.

Submissions (2):

PreventionGenetics, part of Exact Sciences
Classification: Likely benign for INPP5E-related condition. Last evaluated: 2026-06-21. Review status: criteria provided, single submitter. Criteria: ACMG Guidelines, 2015. Collection method: clinical testing. Allele origin: germline.
Comment: This variant is classified as likely benign based on ACMG/AMP sequence variant interpretation guidelines (Richards et al. 2015 PMID: 25741868, with internal and published modifications).

Labcorp Genetics (formerly Invitae), Labcorp
Classification: Likely benign for Joubert syndrome. Last evaluated: 2024-02-24. Review status: criteria provided, single submitter. Criteria: Invitae Variant Classification Sherloc (09022015). Collection method: clinical testing. Allele origin: germline.

NM_019892.6(INPP5E):c.150T>C (p.Leu50=)

Gene: INPP5E (inositol polyphosphate-5-phosphatase E; minus strand). Cytogenetic location: 9q34.3.
Variant type: single nucleotide variant.
Coding change: c.150T>C on transcript NM_019892.6 (MANE Select); coding-DNA position 150, T replaced by C.
Protein change: p.Leu50=; no amino-acid change (leucine 50 retained).
Molecular consequence: synonymous variant.
Genome position (GRCh38, 1-based): chr9:136,439,270, A>G on the plus strand (T>C on the coding strand, the complement: INPP5E is on the minus strand). VCF-style: chr9-136439270-A-G. GRCh37 (hg19) VCF-style: chr9-139333722-A-G.
Other names: c.150T>C, p.Leu50= (NM_001318502.2); c.150T>C (NM_019892.5).
Identifiers: ClinVar variation 1146783 (VCV001146783.10), dbSNP rs1588840560, ClinGen allele CA467828615.